The following is an entry in ClinVar:

ClinVar aggregate classification (germline): Uncertain significance (1 of 4 stars; one submission).

Conditions:
Arrhythmogenic right ventricular dysplasia 5. Also called: Arrhythmogenic Right Ventricular Dysplasia/Cardiomyopathy 5; ARRHYTHMOGENIC RIGHT VENTRICULAR DYSPLASIA, FAMILIAL, 5. Identifiers: MedGen C1858379, MONDO:0011459, OMIM 604400.

Submission:

Labcorp Genetics (formerly Invitae), Labcorp
Classification: Uncertain significance for Arrhythmogenic right ventricular dysplasia 5. Last evaluated: 2025-05-27. Review status: criteria provided, single submitter. Criteria: Invitae Variant Classification Sherloc (09022015). Collection method: clinical testing. Allele origin: germline.
Comment: This sequence change affects codon 99 of the TMEM43 mRNA. It is a 'silent' change, meaning that it does not change the encoded amino acid sequence of the TMEM43 protein. This variant also falls at the last nucleotide of exon 3, which is part of the consensus splice site for this exon. This variant is not present in population databases (gnomAD no frequency). This variant has not been reported in the literature in individuals affected with TMEM43-related conditions. Variants that disrupt the consensus splice site are a relatively common cause of aberrant splicing (PMID: 17576681, 9536098). Algorithms developed to predict the effect of sequence changes on RNA splicing suggest that this variant is not likely to affect RNA splicing. In summary, the available evidence is currently insufficient to determine the role of this variant in disease. Therefore, it has been classified as a Variant of Uncertain Significance.

Literature cited by the submitters: PubMed 17576681; PubMed 9536098.

NM_024334.3(TMEM43):c.297G>A (p.Lys99=)

Gene: TMEM43 (transmembrane protein 43; plus strand). Cytogenetic location: 3p25.1.
Variant type: single nucleotide variant.
Coding change: c.297G>A on transcript NM_024334.3 (MANE Select); coding-DNA position 297, G replaced by A.
Protein change: p.Lys99=; no amino-acid change (lysine 99 retained).
Molecular consequence: synonymous variant.
Genome position (GRCh38, 1-based): chr3:14,130,956, G>A. VCF-style: chr3-14130956-G-A. GRCh37 (hg19) VCF-style: chr3-14172456-G-A.
Other names: c.297G>A, p.Lys99= (NM_001407274.1, NM_001407275.1, NM_001407276.1 and 2 more transcripts); c.282G>A, p.Lys94= (NM_001407278.1); c.147G>A, p.Lys49= (NM_001407280.1).
Identifiers: ClinVar variation 4690418 (VCV004690418.1).
Genomic context (GRCh38, chr3:14,130,956, plus strand): 5'-TGTGGCTCCGGAGAATGAAGGAAGGCTGGTGCACATCATTGGCGCCTTACGGACATCCAA[G>A]GTAGGTTTGGCAGGGGATGCTGACCTGCCAGTGGCTCGGGGCTCATCCTGGATGTTGTCT-3'
Protein context (NP_077310.1, residues 89-109): VHIIGALRTS[Lys99=]LLSDPNYGVH